The following is an entry in ClinVar:

NM_058216.3(RAD51C):c.929_939del (p.Thr310fs)

Gene: RAD51C (RAD51 paralog C; plus strand). Cytogenetic location: 17q22.
Variant type: Deletion.
Coding change: c.929_939del on transcript NM_058216.3 (MANE Select); coding-DNA positions 929 to 939, 11 bases deleted (CAATACGGCTA).
Protein change: p.Thr310fs; shifts the reading frame from threonine 310.
Molecular consequence: frameshift variant. On other transcripts: non-coding transcript variant (1).
Genome position (GRCh38, 1-based): chr17:58,724,064-58,724,074, CAATACGGCTA deleted; deleting any 11 consecutive bases within chr17:58,724,060-58,724,074 gives the same sequence; the c. name uses the placement nearest the transcript's 3' end. VCF-style (leftmost placement, unchanged base first): chr17-58724059-TGCTACAATACG-T. GRCh37 (hg19) VCF-style: chr17-56801420-TGCTACAATACG-T.
Other names: c.*357_*367delCAATACGGCTA (NM_058217.1); short protein forms T310fs.
Identifiers: ClinVar variation 2673897 (VCV002673897.2), dbSNP rs2509344172, ClinGen allele CA2695200295.
Genomic context (GRCh38, chr17:58,724,059, plus strand): 5'-TCAGTAAGGCCATATACAGTTATTATGTTTTTTACTCTCAGGGGAAAGTTGGGGACATGC[TGCTACAATACG>T]GCTAATCTTTCATTGGGACCGAAAGCAAAGGTCAGTACAGAAACAAGTTAATAACTCCGA-3'

ClinVar aggregate classification (germline): Likely pathogenic. Review status: criteria provided, multiple submitters, no conflicts (2 of 4 stars). 2 submissions from 2 submitters: Likely pathogenic (2). Last evaluated 2023-12-06.

Conditions:
Breast-ovarian cancer, familial, susceptibility to, 3. Also called: RAD51C-Related Breast/Ovarian Cancer. Identifiers: Orphanet 145, MedGen C3150659, MONDO:0013253, OMIM 613399.

Submissions (2):

Myriad Genetics, Inc.
Classification: Likely pathogenic for Breast-ovarian cancer, familial, susceptibility to, 3. Last evaluated: 2023-12-06. Review status: criteria provided, single submitter. Criteria: Myriad Autosomal Dominant, Autosomal Recessive and X-Linked Classification Criteria (2023). Collection method: clinical testing. Allele origin: unknown.
Comment: This variant is considered likely pathogenic. This variant creates a frameshift predicted to result in premature protein truncation.

Baylor Genetics
Classification: Likely pathogenic for Breast-ovarian cancer, familial, susceptibility to, 3. Last evaluated: 2023-09-27. Review status: criteria provided, single submitter. Criteria: ACMG Guidelines, 2015. Collection method: clinical testing. Allele origin: unknown.